The following is an entry in ClinVar:

ClinVar aggregate classification (germline): Conflicting classifications of pathogenicity. Review status: criteria provided, conflicting classifications (1 of 4 stars). 2 submissions from 2 submitters: Uncertain significance (1); Likely benign (1). Last evaluated 2025-03-17.

Conditions:
Colorectal cancer, hereditary nonpolyposis, type 7. Identifiers: Orphanet 144, MedGen C1858380, MONDO:0013725, OMIM 614385.

Allele frequency attached by ClinVar (database versions not stated): gnomAD 0.00001; ExAC 0.00002; gnomAD exomes 0.00003; TOPMed 0.00001; ESP Exome Variant Server 0.00008.

Submissions (2):

Labcorp Genetics (formerly Invitae), Labcorp
Classification: Uncertain significance for Colorectal cancer, hereditary nonpolyposis, type 7. Last evaluated: 2025-03-17. Review status: criteria provided, single submitter. Criteria: Invitae Variant Classification Sherloc (09022015). Collection method: clinical testing. Allele origin: germline.
Comment: This sequence change replaces aspartic acid, which is acidic and polar, with glycine, which is neutral and non-polar, at codon 726 of the MLH3 protein (p.Asp726Gly). This variant is present in population databases (rs139821565, gnomAD 0.003%). This variant has not been reported in the literature in individuals affected with MLH3-related conditions. ClinVar contains an entry for this variant (Variation ID: 1787193). An algorithm developed to predict the effect of missense changes on protein structure and function outputs the following: PolyPhen-2: "Benign". The glycine amino acid residue is found in multiple mammalian species, which suggests that this missense change does not adversely affect protein function. In summary, the available evidence is currently insufficient to determine the role of this variant in disease. Therefore, it has been classified as a Variant of Uncertain Significance.

Ambry Genetics
Classification: Likely benign. Last evaluated: 2021-10-25. Review status: criteria provided, single submitter. Criteria: Ambry Variant Classification Scheme 2023. Collection method: clinical testing. Allele origin: germline.

Literature cited by the submitters: PubMed 29641532 (cited by Ambry Genetics).

NM_001040108.2(MLH3):c.2177A>G (p.Asp726Gly)

Gene: MLH3 (mutL homolog 3; minus strand). Cytogenetic location: 14q24.3.
Variant type: single nucleotide variant.
Coding change: c.2177A>G on transcript NM_001040108.2 (MANE Select); coding-DNA position 2177, A replaced by G.
Protein change: p.Asp726Gly; replaces aspartic acid 726 with glycine.
Molecular consequence: missense variant.
Genome position (GRCh38, 1-based): chr14:75,047,479, T>C on the plus strand (A>G on the coding strand, the complement: MLH3 is on the minus strand). VCF-style: chr14-75047479-T-C. GRCh37 (hg19) VCF-style: chr14-75514182-T-C.
Other names: c.2177A>G, p.Asp726Gly (NM_014381.3); short protein forms D726G.
Identifiers: ClinVar variation 1787193 (VCV001787193.5), dbSNP rs139821565, ClinGen allele CA7275743.